The following is an entry in ClinVar:

ClinVar aggregate classification (germline): Benign (1 of 4 stars; one submission).

Conditions:
Neuropathy, hereditary sensory and autonomic, type 1C. Also called: HSAN IC; HSN IC. Identifiers: Orphanet 36386, MedGen C3150896, MONDO:0013337, OMIM 613640.

Allele frequency attached by ClinVar (database versions not stated): gnomAD 0.00048 and 0.00053; TOPMed 0.00054; 1000 Genomes Project 0.00160; 1000 Genomes Project 30x 0.00172.

Submission:

Illumina Laboratory Services, Illumina
Classification: Benign for Neuropathy, hereditary sensory and autonomic, type 1C. Last evaluated: 2018-01-13. Review status: criteria provided, single submitter. Criteria: ICSL Variant Classification Criteria 13 December 2019. Collection method: clinical testing. Allele origin: germline.
Comment: This variant was observed in the ICSL laboratory as part of a predisposition screen in an ostensibly healthy population. It had not been previously curated by ICSL or reported in the Human Gene Mutation Database (HGMD: prior to June 1st, 2018), and was therefore a candidate for classification through an automated scoring system. Utilizing variant allele frequency, disease prevalence and penetrance estimates, and inheritance mode, an automated score was calculated to assess if this variant is too frequent to cause the disease. Based on the score and internal cut-off values, a variant classified as benign is not then subjected to further curation. The score for this variant resulted in a classification of benign for this disease.

NM_004863.4(SPTLC2):c.*4030T>G

Gene: SPTLC2 (serine palmitoyltransferase long chain base subunit 2; minus strand). Cytogenetic location: 14q24.3.
Variant type: single nucleotide variant.
Coding change: c.*4030T>G on transcript NM_004863.4 (MANE Select); 4030 bases downstream of the stop codon, T replaced by G.
Molecular consequence: 3 prime UTR variant.
Genome position (GRCh38, 1-based): chr14:77,508,254, A>C on the plus strand (T>G on the coding strand, the complement: SPTLC2 is on the minus strand). VCF-style: chr14-77508254-A-C. GRCh37 (hg19) VCF-style: chr14-77974597-A-C.
Identifiers: ClinVar variation 884949 (VCV000884949.4), dbSNP rs185596488, ClinGen allele CA263819359.
Genomic context (GRCh38, chr14:77,508,254, plus strand): 5'-ATTTTTGTAGAGACAGGGTCTATCTTGCCCTGGCTGTCCTAACAATTCATAATCTTCATG[A>C]ATGTGGACAGTTTGAAGGAAAACCACTACTCTCACCTCTTTTTCTAAGCACACGGTTATA-3'